The following is an entry in ClinVar:

NM_012062.5(DNM1L):c.363TAA[1] (p.Asn122del)

Gene: DNM1L (dynamin 1 like; plus strand). Cytogenetic location: 12p11.21.
Variant type: Microsatellite.
Coding change: c.363TAA[1] on transcript NM_012062.5 (MANE Select); one copy of the 3-base unit TAA starting at c.363; the reference has two copies in a row; one copy, 3 bases deleted.
Protein change: p.Asn122del; deletes asparagine 122.
Molecular consequence: inframe deletion. On other transcripts: intron variant (1).
Genome position (GRCh38, 1-based): chr12:32,708,221-32,708,223, TAA deleted; deleting any 3 consecutive bases within chr12:32,708,216-32,708,223 gives the same sequence; the position shown is the placement nearest the transcript's 3' end. VCF-style (leftmost placement, unchanged base first): chr12-32708215-AAAT-A. GRCh37 (hg19) VCF-style: chr12-32861149-AAAT-A.
Other names: c.363TAA[1], p.Asn122del (NM_001278463.2, NM_005690.5, NM_012063.4); c.402TAA[1], p.Asn135del (NM_001278464.2, NM_001278465.2, NM_001330380.2); c.131+808_131+810del (NM_001278466.2); c.366_368delTAA (NM_012062.5); short protein forms N122del, N135del.
Identifiers: ClinVar variation 2200267 (VCV002200267.5), dbSNP rs1952997814, ClinGen allele CA2026305367.

ClinVar aggregate classification (germline): Uncertain significance. Review status: criteria provided, multiple submitters, no conflicts (2 of 4 stars). 2 submissions from 2 submitters: Uncertain significance (2). Last evaluated 2025-10-29.

Submissions (2):

Women's Health and Genetics/Laboratory Corporation of America, LabCorp
Classification: Uncertain significance. Last evaluated: 2025-10-29. Review status: criteria provided, single submitter. Criteria: LabCorp Variant Classification Summary - May 2015. Collection method: clinical testing. Allele origin: germline.
Comment: Variant summary: DNM1L c.366_368delTAA (p.Asn122del) results in an in-frame deletion that is predicted to remove one amino acids from the encoded protein. Consensus agreement among computation tools predict no significant impact on normal splicing. However, these predictions have yet to be confirmed by functional studies. The variant was absent in 249686 control chromosomes. The available data on variant occurrences in the general population are insufficient to allow any conclusion about variant significance. To our knowledge, no occurrence of c.366_368delTAA in individuals affected with DNM1L-related conditions and no experimental evidence demonstrating its impact on protein function have been reported. ClinVar contains an entry for this variant (Variation ID: 2200267). Based on the evidence outlined above, the variant was classified as uncertain significance.

Labcorp Genetics (formerly Invitae), Labcorp
Classification: Uncertain significance. Last evaluated: 2025-06-20. Review status: criteria provided, single submitter. Criteria: Invitae Variant Classification Sherloc (09022015). Collection method: clinical testing. Allele origin: germline.
Comment: This variant, c.366_368del, results in the deletion of 1 amino acid(s) of the DNM1L protein (p.Asn122del), but otherwise preserves the integrity of the reading frame. This variant is not present in population databases (gnomAD no frequency). This variant has not been reported in the literature in individuals affected with DNM1L-related conditions. Experimental studies and prediction algorithms are not available or were not evaluated, and the functional significance of this variant is currently unknown. In summary, the available evidence is currently insufficient to determine the role of this variant in disease. Therefore, it has been classified as a Variant of Uncertain Significance.